The following is an entry in ClinVar:

ClinVar aggregate classification (germline): Uncertain significance (0 of 4 stars; one submission).

gnomAD v4.1: 13 of 1,614,150 alleles (0.00081%); highest among the groups gnomAD compares: African/African-American, 0.0013%; no homozygotes.

Submission:

Richard Lifton Laboratory, Yale University School of Medicine
Classification: Uncertain significance. Review status: no assertion criteria provided. Collection method: not provided. Allele origin: somatic.
Comment: OR4D11
ClinVar note: Converted during submission from unknown to Uncertain significance.

NM_001004706.1(OR4D11):c.575C>A (p.Thr192Asn)

Gene: OR4D11 (olfactory receptor family 4 subfamily D member 11; plus strand). Cytogenetic location: 11q12.1.
Variant type: single nucleotide variant.
Coding change: c.575C>A on transcript NM_001004706.1 (MANE Select); coding-DNA position 575, C replaced by A.
Protein change: p.Thr192Asn; replaces threonine 192 with asparagine.
Molecular consequence: missense variant.
Genome position (GRCh38, 1-based): chr11:59,504,150, C>A. VCF-style: chr11-59504150-C-A. GRCh37 (hg19) VCF-style: chr11-59271623-C-A.
Other names: short protein forms T192N.
Identifiers: ClinVar variation 91922 (VCV000091922.2), dbSNP rs386352341, ClinGen allele CA232165.